The following is an entry in ClinVar:

ClinVar aggregate classification (germline): Uncertain significance (1 of 4 stars; one submission).

Conditions:
Kabuki syndrome. Also called: NIIKAWA-KUROKI SYNDROME; Kabuki make-up syndrome. Identifiers: Orphanet 2322, MedGen C0796004, MONDO:0016512.

Submission:

Labcorp Genetics (formerly Invitae), Labcorp
Classification: Uncertain significance for Kabuki syndrome. Last evaluated: 2022-07-19. Review status: criteria provided, single submitter. Criteria: Invitae Variant Classification Sherloc (09022015). Collection method: clinical testing. Allele origin: germline.
Comment: This variant is not present in population databases (gnomAD no frequency). In summary, the available evidence is currently insufficient to determine the role of this variant in disease. Therefore, it has been classified as a Variant of Uncertain Significance. Advanced modeling of protein sequence and biophysical properties (such as structural, functional, and spatial information, amino acid conservation, physicochemical variation, residue mobility, and thermodynamic stability) performed at Invitae indicates that this missense variant is not expected to disrupt KMT2D protein function. ClinVar contains an entry for this variant (Variation ID: 1417795). This variant has not been reported in the literature in individuals affected with KMT2D-related conditions. This sequence change replaces proline, which is neutral and non-polar, with serine, which is neutral and polar, at codon 953 of the KMT2D protein (p.Pro953Ser).

NM_003482.4(KMT2D):c.2857C>T (p.Pro953Ser)

Gene: KMT2D (lysine methyltransferase 2D; minus strand). Cytogenetic location: 12q13.12.
Variant type: single nucleotide variant.
Coding change: c.2857C>T on transcript NM_003482.4 (MANE Select); coding-DNA position 2857, C replaced by T.
Protein change: p.Pro953Ser; replaces proline 953 with serine.
Molecular consequence: missense variant.
Genome position (GRCh38, 1-based): chr12:49,050,731, G>A on the plus strand (C>T on the coding strand, the complement: KMT2D is on the minus strand). VCF-style: chr12-49050731-G-A. GRCh37 (hg19) VCF-style: chr12-49444514-G-A.
Other names: short protein forms P953S.
Identifiers: ClinVar variation 1417795 (VCV001417795.6), dbSNP rs2120655966, ClinGen allele CA384660878.
Genomic context (GRCh38, chr12:49,050,731, plus strand): 5'-ACGGTGACTCAGGGTCACTGTCCCCTTTGGCACCAAAGGGGTACTCTAACTCCCCCAAAG[G>A]AGACAGGGCCGGTGGGGCCGCAGCTGTGATGATGGGTGAGAGTGGAGGAGGAAGGGGATC-3'
Protein context (NP_003473.3, residues 943-963): ITAAAPPALS[Pro953Ser]LGELEYPFGA